The following is an entry in ClinVar:

NM_001378418.1(TCF20):c.3582A>C (p.Gln1194His)

Gene: TCF20 (transcription factor 20; minus strand). Cytogenetic location: 22q13.2.
Variant type: single nucleotide variant.
Coding change: c.3582A>C on transcript NM_001378418.1 (MANE Select); coding-DNA position 3582, A replaced by C.
Protein change: p.Gln1194His; replaces glutamine 1194 with histidine.
Molecular consequence: missense variant.
Genome position (GRCh38, 1-based): chr22:42,211,724, T>G on the plus strand (A>C on the coding strand, the complement: TCF20 is on the minus strand). VCF-style: chr22-42211724-T-G. GRCh37 (hg19) VCF-style: chr22-42607730-T-G.
Other names: c.3582A>C, p.Gln1194His (NM_005650.4, NM_181492.3); c.3582A>C (NM_005650.3); short protein forms Q1194H.
Identifiers: ClinVar variation 3722284 (VCV003722284.3).
Genomic context (GRCh38, chr22:42,211,724, plus strand): 5'-CGGCCCATACCTTTTTTGACTGGACATTCCTGGAGGACCGCTGCTTTTGGCTGGAGAAGT[T>G]TGCCGAGAAAGATCCCAACAGGATTCTTGTAACTTCTGGGAGCCATGCTTTAATTCCATG-3'
Protein context (NP_001365347.1, residues 1184-1204): LQESCWDLSR[Gln1194His]TSPAKSSGPP

ClinVar aggregate classification (germline): Uncertain significance. Review status: criteria provided, multiple submitters, no conflicts (2 of 4 stars). 2 submissions from 2 submitters: Uncertain significance (2). Last evaluated 2025-03-06.

Conditions:
Developmental delay with variable intellectual impairment and behavioral abnormalities. Identifiers: MedGen C5193092, MONDO:0032745, OMIM 618430.

Submissions (2):

Revvity Omics, Revvity
Classification: Uncertain significance for Developmental delay with variable intellectual impairment and behavioral abnormalities. Last evaluated: 2025-03-06. Review status: criteria provided, single submitter. Criteria: ACMG Guidelines, 2015. Collection method: clinical testing. Allele origin: germline.

Labcorp Genetics (formerly Invitae), Labcorp
Classification: Uncertain significance. Last evaluated: 2025-01-07. Review status: criteria provided, single submitter. Criteria: Invitae Variant Classification Sherloc (09022015). Collection method: clinical testing. Allele origin: germline.
Comment: This sequence change replaces glutamine, which is neutral and polar, with histidine, which is basic and polar, at codon 1194 of the TCF20 protein (p.Gln1194His). This variant is not present in population databases (gnomAD no frequency). This variant has not been reported in the literature in individuals affected with TCF20-related conditions. An algorithm developed to predict the effect of missense changes on protein structure and function (PolyPhen-2) suggests that this variant is likely to be disruptive. In summary, the available evidence is currently insufficient to determine the role of this variant in disease. Therefore, it has been classified as a Variant of Uncertain Significance.